The following is an entry in ClinVar:

ClinVar aggregate classification (germline): Likely benign (1 of 4 stars; one submission).

Conditions:
Short stature-pituitary and cerebellar defects-small sella turcica syndrome (CPHD4). Also called: Pituitary hormone deficiency, combined with or without cerebellar defects; Short stature, pituitary and cerebellar defects and small sella turcica. Identifiers: Orphanet 85442, MedGen C2678408, MONDO:0009880, OMIM 262700.

Allele frequency attached by ClinVar (database versions not stated): gnomAD exomes below 0.00001 and 0.00001; ExAC 0.00002; gnomAD 0.00006; ESP Exome Variant Server 0.00008.

Submission:

Illumina Laboratory Services, Illumina
Classification: Likely benign for Short stature-pituitary and cerebellar defects-small sella turcica syndrome. Last evaluated: 2018-01-13. Review status: criteria provided, single submitter. Criteria: ICSL Variant Classification Criteria 13 December 2019. Collection method: clinical testing. Allele origin: germline.
Comment: This variant was observed in the ICSL laboratory as part of a predisposition screen in an ostensibly healthy population. It had not been previously curated by ICSL or reported in the Human Gene Mutation Database (HGMD: prior to June 1st, 2018), and was therefore a candidate for classification through an automated scoring system. Utilizing variant allele frequency, disease prevalence and penetrance estimates, and inheritance mode, an automated score was calculated to assess if this variant is too frequent to cause the disease. Based on the score and internal cut-off values, a variant classified as likely benign is not then subjected to further curation. The score for this variant resulted in a classification of likely benign for this disease.

NM_033343.4(LHX4):c.398T>C (p.Met133Thr)

Gene: LHX4 (LIM homeobox 4; plus strand). Cytogenetic location: 1q25.2.
Variant type: single nucleotide variant.
Coding change: c.398T>C on transcript NM_033343.4 (MANE Select); coding-DNA position 398, T replaced by C.
Protein change: p.Met133Thr; replaces methionine 133 with threonine.
Molecular consequence: missense variant.
Genome position (GRCh38, 1-based): chr1:180,266,541, T>C. VCF-style: chr1-180266541-T-C. GRCh37 (hg19) VCF-style: chr1-180235676-T-C.
Other names: short protein forms M133T.
Identifiers: ClinVar variation 293864 (VCV000293864.5), dbSNP rs371899398, ClinGen allele CA1271871.